The following is an entry in ClinVar:

ClinVar aggregate classification (germline): Pathogenic/Likely pathogenic. Review status: criteria provided, multiple submitters, no conflicts (2 of 4 stars). 5 submissions from 5 submitters: Pathogenic (2); Likely pathogenic (2). 1 of the submissions does not count toward it. Last evaluated 2025-06-24.

Conditions:
Mitochondrial complex I deficiency. Also called: NADH:Q(1) OXIDOREDUCTASE DEFICIENCY. Identifiers: Orphanet 2609, MedGen C1838979, MeSH C537475, MONDO:0100133.
Acyl-CoA dehydrogenase 9 deficiency. Also called: Acyl-CoA dehydrogenase family, member 9, deficiency of; MITOCHONDRIAL COMPLEX I DEFICIENCY, NUCLEAR TYPE 20. Identifiers: Orphanet 99901, MedGen C4747517, MONDO:0012624, OMIM 611126.

Allele frequency attached by ClinVar (database versions not stated): gnomAD exomes below 0.00001; ExAC 0.00001; ESP Exome Variant Server 0.00008.

Submissions (5):

Labcorp Genetics (formerly Invitae), Labcorp
Classification: Pathogenic. Last evaluated: 2025-06-24. Review status: criteria provided, single submitter. Criteria: Invitae Variant Classification Sherloc (09022015). Collection method: clinical testing. Allele origin: germline.
Comment: This sequence change replaces arginine, which is basic and polar, with cysteine, which is neutral and slightly polar, at codon 417 of the ACAD9 protein (p.Arg417Cys). The frequency data for this variant in the population databases is considered unreliable, as metrics indicate poor data quality at this position in the gnomAD database. This missense change has been observed in individual(s) with mitochondrial complex I deficiency (PMID: 21057504, 26475292, 30025539). In at least one individual the data is consistent with being in trans (on the opposite chromosome) from a pathogenic variant. ClinVar contains an entry for this variant (Variation ID: 30880). Invitae Evidence Modeling of protein sequence and biophysical properties (such as structural, functional, and spatial information, amino acid conservation, physicochemical variation, residue mobility, and thermodynamic stability) indicates that this missense variant is expected to disrupt ACAD9 protein function with a positive predictive value of 80%. Experimental studies have shown that this missense change affects ACAD9 function (PMID: 25721401). For these reasons, this variant has been classified as Pathogenic.

Natera, Inc.
Classification: Likely pathogenic for ACAD9 deficiency. Last evaluated: 2025-01-24. Review status: criteria provided, single submitter. Criteria: Natera Variant Classification Schema (03/2026). Collection method: clinical testing. Allele origin: germline.
Comment: The c.1249C>T variant in ACAD9 is a missense variant predicted to cause substitution of arginine to cysteine at amino acid 417. This variant is rare in the general population with a frequency below the threshold expected for the associated phenotype(s). This variant has been observed in one or more individuals affected with the associated recessive disease, as either homozygous or compound heterozygous with a second variant (PMID: 26475292, 2105750). Computational prediction algorithms indicate this variant is likely to affect gene or protein function. Given the available evidence, this variant is classified as Likely Pathogenic.

Women's Health and Genetics/Laboratory Corporation of America, LabCorp
Classification: Likely pathogenic for Mitochondrial complex I deficiency. Last evaluated: 2023-05-15. Review status: criteria provided, single submitter. Criteria: LabCorp Variant Classification Summary - May 2015. Collection method: clinical testing. Allele origin: germline.
Comment: Variant summary: ACAD9 c.1249C>T (p.Arg417Cys) results in a non-conservative amino acid change located in the Acyl-CoA dehydrogenase-like, C-terminal domain (IPR036250) of the encoded protein sequence. Five of five in-silico tools predict a damaging effect of the variant on protein function. The variant allele was found at a frequency of 4e-06 in 251352 control chromosomes (gnomAD). c.1249C>T has been reported in the literature in individuals affected with Mitochondrial Complex I Deficiency (example: Lagoutte-Renosi_2015, Haack_2010, Repp_2018). These data indicate that the variant may be associated with disease. At least one publication reports experimental evidence evaluating an impact on protein function. The most pronounced variant effect results in <10% of normal activity (example: Schiff_2015). The following publications have been ascertained in the context of this evaluation (PMID: 30025539, 21057504, 26475292, 25721401). One clinical diagnostic laboratory has submitted clinical-significance assessments for this variant to ClinVar after 2014 and classified the variant as pathogenic. Based on the evidence outlined above, the variant was classified as likely pathogenic.

Baylor Genetics
Classification: Pathogenic for Acyl-CoA dehydrogenase 9 deficiency. Last evaluated: 2023-02-20. Review status: criteria provided, single submitter. Criteria: ACMG Guidelines, 2015. Collection method: clinical testing. Allele origin: unknown.

OMIM
Classification: Pathogenic for MITOCHONDRIAL COMPLEX I DEFICIENCY, NUCLEAR TYPE 20. Last evaluated: 2010-12-01. Review status: no assertion criteria provided. Collection method: literature only. Allele origin: germline. Not counted in ClinVar's aggregate classification.

Literature cited by the submitters: PubMed 21057504 (cited by 3 submitters); PubMed 26475292 (cited by 3 submitters); PubMed 30025539 (cited by Labcorp Genetics (formerly Invitae), Labcorp and Women's Health and Genetics/Laboratory Corporation of America, LabCorp); PubMed 25721401 (cited by Labcorp Genetics (formerly Invitae), Labcorp and Women's Health and Genetics/Laboratory Corporation of America, LabCorp); PubMed 2105750 (cited by Natera, Inc.).

NM_014049.5(ACAD9):c.1249C>T (p.Arg417Cys)

Gene: ACAD9 (acyl-CoA dehydrogenase family member 9; plus strand). Cytogenetic location: 3q21.3.
Variant type: single nucleotide variant.
Coding change: c.1249C>T on transcript NM_014049.5 (MANE Select); coding-DNA position 1249, C replaced by T.
Protein change: p.Arg417Cys; replaces arginine 417 with cysteine.
Molecular consequence: missense variant. On other transcripts: non-coding transcript variant (1).
Genome position (GRCh38, 1-based): chr3:128,906,220, C>T. VCF-style: chr3-128906220-C-T. GRCh37 (hg19) VCF-style: chr3-128625063-C-T.
Other names: short protein forms R417C.
Identifiers: ClinVar variation 30880 (VCV000030880.12), dbSNP rs368949613, ClinGen allele CA129516.
Genomic context (GRCh38, chr3:128,906,220, plus strand): 5'-GCGCTGCAGATCCTCGGGGGCTTGGGCTACACAAGGGACTATCCGTACGAGCGCATACTG[C>T]GTGACACCCGCATCCTCCTCATCTTCGAGGTGAGTGGCCCCGCCACCAGCTAAGCTGTGC-3'
Protein context (NP_054768.2, residues 407-427): TRDYPYERIL[Arg417Cys]DTRILLIFEG